The following is an entry in ClinVar:

NM_153704.6(TMEM67):c.2601del (p.Phe867fs)

Gene: TMEM67 (transmembrane protein 67; plus strand). Cytogenetic location: 8q22.1.
Variant type: Deletion.
Coding change: c.2601del on transcript NM_153704.6 (MANE Select); coding-DNA position 2601, one base deleted (T; older notation c.2601delT).
Protein change: p.Phe867fs; shifts the reading frame from phenylalanine 867.
Molecular consequence: frameshift variant. On other transcripts: non-coding transcript variant (1).
Genome position (GRCh38, 1-based): chr8:93,809,101, T deleted; the last of 4 consecutive T bases (chr8:93,809,098-93,809,101); deleting any one gives the same sequence. VCF-style (leftmost placement, unchanged base first): chr8-93809097-CT-C. GRCh37 (hg19) VCF-style: chr8-94821325-CT-C.
Other names: c.2358del, p.Phe786fs (NM_001142301.1); c.2601delT (NM_153704.5); short protein forms F786fs, F867fs.
Identifiers: ClinVar variation 422534 (VCV000422534.2), dbSNP rs1064795843, ClinGen allele CA16618721.

ClinVar aggregate classification (germline): Likely pathogenic (1 of 4 stars; one submission).

Submission:

GeneDx
Classification: Likely pathogenic. Last evaluated: 2016-10-12. Review status: criteria provided, single submitter. Criteria: GeneDx Variant Classification (06012015). Collection method: clinical testing. Allele origin: germline. Affected: yes.
Comment: A novel c.2601delT variant that is likely pathogenic has been identified in the TMEM67 gene. The c.2601delT variant has not been published as a pathogenic variant, nor has it been reported as a benign variant to our knowledge. It was not observed in approximately 6,500 individuals of European and African American ancestry in the NHLBI Exome Sequencing Project, indicating it is not a common benign variant in these populations. The c.2601delT variant causes a frameshift starting with codon Phenylalanine 867, changes this amino acid to a Leucine residue and creates a premature Stop codon at position 5 of the new reading frame, denoted p.Phe867LeufsX5. This variant is predicted to cause loss of normal protein function either through protein truncation or nonsense-mediated mRNA decay. Therefore, this variant is likely pathogenic; however, the possibility that it is benign cannot be excluded.